The following is an entry in ClinVar:

ClinVar aggregate classification (germline): Uncertain significance (1 of 4 stars; one submission).

Submission:

Ambry Genetics
Classification: Uncertain significance. Last evaluated: 2022-05-12. Review status: criteria provided, single submitter. Criteria: Ambry Variant Classification Scheme 2023. Collection method: clinical testing. Allele origin: germline.
Comment: The p.L388R variant (also known as c.1163T>G), located in coding exon 8 of the POLQ gene, results from a T to G substitution at nucleotide position 1163. The leucine at codon 388 is replaced by arginine, an amino acid with dissimilar properties. This amino acid position is conserved. In addition, this alteration is predicted to be tolerated by in silico analysis. Since supporting evidence is limited at this time, the clinical significance of this alteration remains unclear.

NM_199420.4(POLQ):c.1163T>G (p.Leu388Arg)

Gene: POLQ (DNA polymerase theta; minus strand). Cytogenetic location: 3q13.33.
Variant type: single nucleotide variant.
Coding change: c.1163T>G on transcript NM_199420.4 (MANE Select); coding-DNA position 1163, T replaced by G.
Protein change: p.Leu388Arg; replaces leucine 388 with arginine.
Molecular consequence: missense variant.
Genome position (GRCh38, 1-based): chr3:121,522,095, A>C on the plus strand (T>G on the coding strand, the complement: POLQ is on the minus strand). VCF-style: chr3-121522095-A-C. GRCh37 (hg19) VCF-style: chr3-121240942-A-C.
Other names: short protein forms L388R.
Identifiers: ClinVar variation 1737609 (VCV001737609.2), dbSNP rs2546811713, ClinGen allele CA354121819.